The following is an entry in ClinVar:

ClinVar aggregate classification (germline): Likely benign. Review status: criteria provided, multiple submitters, no conflicts (2 of 4 stars). 2 submissions from 2 submitters: Likely benign (2). Last evaluated 2022-07-17.

Allele frequency attached by ClinVar (database versions not stated): TOPMed below 0.00001; ExAC 0.00001; gnomAD 0.00001; gnomAD exomes 0.00001; ESP Exome Variant Server 0.00008.
gnomAD v4.1: 11 of 1,614,008 alleles (0.00068%); highest among the groups gnomAD compares: Non-Finnish European, 0.00085%; no homozygotes.

Submissions (2):

Labcorp Genetics (formerly Invitae), Labcorp
Classification: Likely benign. Last evaluated: 2022-07-17. Review status: criteria provided, single submitter. Criteria: Invitae Variant Classification Sherloc (09022015). Collection method: clinical testing. Allele origin: germline.

GeneDx
Classification: Likely benign. Last evaluated: 2017-09-01. Review status: criteria provided, single submitter. Criteria: GeneDx Variant Classification (06012015). Collection method: clinical testing. Allele origin: germline. Affected: yes.
Comment: This variant is considered likely benign or benign based on one or more of the following criteria: it is a conservative change, it occurs at a poorly conserved position in the protein, it is predicted to be benign by multiple in silico algorithms, and/or has population frequency not consistent with disease.

NM_020778.5(ALPK3):c.2421G>A (p.Glu807=)

Gene: ALPK3 (alpha kinase 3; plus strand). Cytogenetic location: 15q25.3.
Variant type: single nucleotide variant.
Coding change: c.2421G>A on transcript NM_020778.5 (MANE Select); coding-DNA position 2421, G replaced by A.
Protein change: p.Glu807=; no amino-acid change (glutamic acid 807 retained).
Molecular consequence: synonymous variant.
Genome position (GRCh38, 1-based): chr15:84,857,159, G>A. VCF-style: chr15-84857159-G-A. GRCh37 (hg19) VCF-style: chr15-85400390-G-A.
Identifiers: ClinVar variation 511771 (VCV000511771.5), dbSNP rs150546362, ClinGen allele CA7709408.